The following is an entry in ClinVar:

ClinVar aggregate classification (germline): Pathogenic (1 of 4 stars; one submission).

Conditions:
Developmental and epileptic encephalopathy, 42 (DEE42A). Also called: DEVELOPMENTAL AND EPILEPTIC ENCEPHALOPATHY 42A; EPILEPTIC ENCEPHALOPATHY, EARLY INFANTILE, 42A; Epileptic encephalopathy, early infantile, 42. Identifiers: MedGen C4310716, MONDO:0014917, OMIM 617106.
Episodic ataxia type 2 (EA2). Also called: EPISODIC ATAXIA, NYSTAGMUS-ASSOCIATED; ACETAZOLAMIDE-RESPONSIVE HEREDITARY PAROXYSMAL CEREBELLAR ATAXIA; ATAXIA, EPISODIC, WITH NYSTAGMUS; ATAXIA, FAMILIAL PAROXYSMAL; CEREBELLAR ATAXIA, PAROXYSMAL, ACETAZOLAMIDE-RESPONSIVE; CEREBELLOPATHY, HEREDITARY PAROXYSMAL. Identifiers: Orphanet 97, MedGen C1720416, MONDO:0007163, OMIM 108500.

Submission:

Labcorp Genetics (formerly Invitae), Labcorp
Classification: Pathogenic for Developmental and epileptic encephalopathy, 42; Episodic ataxia type 2. Last evaluated: 2020-03-02. Review status: criteria provided, single submitter. Criteria: Invitae Variant Classification Sherloc (09022015). Collection method: clinical testing. Allele origin: germline.
Comment: For these reasons, this variant has been classified as Pathogenic. This variant disrupts the p.Phe1506 amino acid residue in CACNA1A. Other variant(s) that disrupt this residue have been determined to be pathogenic (PMID: 29343472). This suggests that this residue is clinically significant, and that variants that disrupt this residue are likely to be disease-causing. Algorithms developed to predict the effect of missense changes on protein structure and function (SIFT, PolyPhen-2, Align-GVGD) all suggest that this variant is likely to be disruptive, but these predictions have not been confirmed by published functional studies and their clinical significance is uncertain. This variant has been observed in individual(s) with hemiplegic migraine (PMID: 20837964). In at least one individual the variant was observed to be de novo. This variant is not present in population databases (ExAC no frequency). This sequence change replaces phenylalanine with serine at codon 1506 of the CACNA1A protein (p.Phe1506Ser). The phenylalanine residue is highly conserved and there is a large physicochemical difference between phenylalanine and serine.

Literature cited by the submitters: PubMed 29343472; PubMed 20837964.

NM_001127222.2(CACNA1A):c.4514T>C (p.Phe1505Ser)

Gene: CACNA1A (calcium voltage-gated channel subunit alpha1 A; minus strand). Cytogenetic location: 19p13.13.
Variant type: single nucleotide variant.
Coding change: c.4514T>C on transcript NM_001127222.2 (MANE Select); coding-DNA position 4514, T replaced by C.
Protein change: p.Phe1505Ser; replaces phenylalanine 1505 with serine.
Molecular consequence: missense variant.
Genome position (GRCh38, 1-based): chr19:13,257,426, A>G on the plus strand (T>C on the coding strand, the complement: CACNA1A is on the minus strand). VCF-style: chr19-13257426-A-G. GRCh37 (hg19) VCF-style: chr19-13368240-A-G.
Other names: c.4526T>C, p.Phe1509Ser (NM_000068.4, NM_023035.3); c.4517T>C, p.Phe1506Ser (NM_001127221.2, NM_001174080.2); short protein forms F1505S, F1506S, F1509S.
Identifiers: ClinVar variation 1068487 (VCV001068487.9), dbSNP rs2144748340, ClinGen allele CA404338889.